The following is an entry in ClinVar:

ClinVar aggregate classification (germline): Benign. Review status: criteria provided, multiple submitters, no conflicts (2 of 4 stars). 2 submissions from 2 submitters: Benign (2). Last evaluated 2018-01-13.

Conditions:
Leber congenital amaurosis 12 (LCA12). Identifiers: Orphanet 65, MedGen C1857743, MONDO:0012525, OMIM 610612.

Allele frequency attached by ClinVar (database versions not stated): gnomAD exomes 0.11595; gnomAD 0.18527 and 0.18553; TOPMed 0.19805; 1000 Genomes Project 0.24760; 1000 Genomes Project 30x 0.25187.
gnomAD v4.1: 29,140 of 161,090 alleles (18%); highest among the groups gnomAD compares: African/African-American, 32%; 3,401 homozygotes.

Submissions (2):

Illumina Laboratory Services, Illumina
Classification: Benign for Leber congenital amaurosis 12. Last evaluated: 2018-01-13. Review status: criteria provided, single submitter. Criteria: ICSL Variant Classification Criteria 13 December 2019. Collection method: clinical testing. Allele origin: germline.
Comment: This variant was observed in the ICSL laboratory as part of a predisposition screen in an ostensibly healthy population. It had not been previously curated by ICSL or reported in the Human Gene Mutation Database (HGMD: prior to June 1st, 2018), and was therefore a candidate for classification through an automated scoring system. Utilizing variant allele frequency, disease prevalence and penetrance estimates, and inheritance mode, an automated score was calculated to assess if this variant is too frequent to cause the disease. Based on the score and internal cut-off values, a variant classified as benign is not then subjected to further curation. The score for this variant resulted in a classification of benign for this disease.

Breakthrough Genomics
Classification: Benign. Review status: criteria provided, single submitter. Criteria: ACMG Guidelines, 2015. Collection method: not provided. Allele origin: germline. Inheritance: Autosomal recessive inheritance. Affected: yes.

NM_001164688.2(RD3):c.*1343G>C

Gene: RD3 (RD3 regulator of GUCY2D; minus strand). Cytogenetic location: 1q32.3.
Variant type: single nucleotide variant.
Coding change: c.*1343G>C on transcript NM_001164688.2 (MANE Select); 1343 bases downstream of the stop codon, G replaced by C.
Molecular consequence: 3 prime UTR variant.
Genome position (GRCh38, 1-based): chr1:211,477,693, C>G on the plus strand (G>C on the coding strand, the complement: RD3 is on the minus strand). VCF-style: chr1-211477693-C-G. GRCh37 (hg19) VCF-style: chr1-211651035-C-G.
Other names: c.*1343G>C (NM_183059.3).
Identifiers: ClinVar variation 295237 (VCV000295237.6), dbSNP rs11119746, ClinGen allele CA10609638.